The following is an entry in ClinVar:

NM_001145715.3(KPNA7):c.686A>G (p.Asn229Ser)

Gene: KPNA7 (karyopherin subunit alpha 7; minus strand). Cytogenetic location: 7q22.1.
Variant type: single nucleotide variant.
Coding change: c.686A>G on transcript NM_001145715.3 (MANE Select); coding-DNA position 686, A replaced by G.
Protein change: p.Asn229Ser; replaces asparagine 229 with serine.
Molecular consequence: missense variant.
Genome position (GRCh38, 1-based): chr7:99,188,514, T>C on the plus strand (A>G on the coding strand, the complement: KPNA7 is on the minus strand). VCF-style: chr7-99188514-T-C. GRCh37 (hg19) VCF-style: chr7-98786137-T-C.
Other names: short protein forms N229S.
Identifiers: ClinVar variation 2073231 (VCV002073231.1), dbSNP rs2535463324, ClinGen allele CA368420013.

ClinVar aggregate classification (germline): Uncertain significance (1 of 4 stars; one submission).

Submission:

Labcorp Genetics (formerly Invitae), Labcorp
Classification: Uncertain significance. Last evaluated: 2022-08-10. Review status: criteria provided, single submitter. Criteria: Invitae Variant Classification Sherloc (09022015). Collection method: clinical testing. Allele origin: germline.
Comment: This sequence change replaces asparagine, which is neutral and polar, with serine, which is neutral and polar, at codon 229 of the KPNA7 protein (p.Asn229Ser). This variant is not present in population databases (gnomAD no frequency). This variant has not been reported in the literature in individuals affected with KPNA7-related conditions. Algorithms developed to predict the effect of missense changes on protein structure and function (SIFT, PolyPhen-2, Align-GVGD) all suggest that this variant is likely to be tolerated. Algorithms developed to predict the effect of sequence changes on RNA splicing suggest that this variant may create or strengthen a splice site. In summary, the available evidence is currently insufficient to determine the role of this variant in disease. Therefore, it has been classified as a Variant of Uncertain Significance.